The following is an entry in ClinVar:

NM_004360.5(CDH1):c.531+10G>A

Gene: CDH1 (cadherin 1; plus strand). Cytogenetic location: 16q22.1.
Variant type: single nucleotide variant.
Coding change: c.531+10G>A on transcript NM_004360.5 (MANE Select); 10 bases into the intron after coding-DNA position 531, G replaced by A.
Molecular consequence: intron variant.
Genome position (GRCh38, 1-based): chr16:68,808,577, G>A. VCF-style: chr16-68808577-G-A. GRCh37 (hg19) VCF-style: chr16-68842480-G-A.
Other names: c.-1085+10G>A (NM_001317185.2); c.-1289+10G>A (NM_001317186.2); c.531+10G>A (NM_001317184.2).
Identifiers: ClinVar variation 3378714 (VCV003378714.1).

ClinVar aggregate classification (germline): Likely benign (1 of 4 stars; one submission).

Conditions:
Hereditary diffuse gastric adenocarcinoma (HDGC). Also called: DIFFUSE GASTRIC AND LOBULAR BREAST CANCER SYNDROME. Identifiers: Orphanet 26106, MedGen C1708349, MONDO:0007648, OMIM 137215.

Submission:

Myriad Genetics, Inc.
Classification: Likely benign for Hereditary diffuse gastric adenocarcinoma. Last evaluated: 2024-09-13. Review status: criteria provided, single submitter. Criteria: Myriad Autosomal Dominant, Autosomal Recessive and X-Linked Classification Criteria (2023). Collection method: clinical testing. Allele origin: unknown.
Comment: This variant is considered likely benign. This variant is intronic and is not expected to impact mRNA splicing.